The following is an entry in ClinVar:

ClinVar aggregate classification (germline): Likely benign (0 of 4 stars; one submission).

Conditions:
CSMD1-related disorder. Also called: CSMD1-related condition.

Allele frequency attached by ClinVar (database versions not stated): 1000 Genomes Project 30x 0.00016.
gnomAD v4.1: 34 of 1,573,142 alleles (0.0022%); highest among the groups gnomAD compares: Middle Eastern, 0.036%; no homozygotes.

Submission:

PreventionGenetics, part of Exact Sciences
Classification: Likely benign for CSMD1-related condition. Last evaluated: 2019-08-05. Review status: no assertion criteria provided. Collection method: clinical testing. Allele origin: germline.
Comment: This variant is classified as likely benign based on ACMG/AMP sequence variant interpretation guidelines (Richards et al. 2015 PMID: 25741868, with internal and published modifications).

NM_033225.6(CSMD1):c.4569C>T (p.Gly1523=)

Gene: CSMD1 (CUB and Sushi multiple domains 1; minus strand). Cytogenetic location: 8p23.2.
Variant type: single nucleotide variant.
Coding change: c.4569C>T on transcript NM_033225.6 (MANE Select); coding-DNA position 4569, C replaced by T.
Protein change: p.Gly1523=; no amino-acid change (glycine 1523 retained).
Molecular consequence: synonymous variant.
Genome position (GRCh38, 1-based): chr8:3,219,358, G>A on the plus strand (C>T on the coding strand, the complement: CSMD1 is on the minus strand). VCF-style: chr8-3219358-G-A. GRCh37 (hg19) VCF-style: chr8-3076880-G-A.
Identifiers: ClinVar variation 3035301 (VCV003035301.2), dbSNP rs775580199, ClinGen allele CA4607266.